The following is an entry in ClinVar:

ClinVar aggregate classification (germline): Uncertain significance (1 of 4 stars; one submission).

Allele frequency attached by ClinVar (database versions not stated): gnomAD exomes 0.00001; TOPMed 0.00001; gnomAD 0.00002.
gnomAD v4.1: 11 of 1,545,142 alleles (0.00071%); highest among the groups gnomAD compares: Middle Eastern, 0.089%; no homozygotes.

Submission:

Labcorp Genetics (formerly Invitae), Labcorp
Classification: Uncertain significance. Last evaluated: 2022-07-19. Review status: criteria provided, single submitter. Criteria: Invitae Variant Classification Sherloc (09022015). Collection method: clinical testing. Allele origin: germline.
Comment: In summary, the available evidence is currently insufficient to determine the role of this variant in disease. Therefore, it has been classified as a Variant of Uncertain Significance. Algorithms developed to predict the effect of missense changes on protein structure and function (SIFT, PolyPhen-2, Align-GVGD) all suggest that this variant is likely to be tolerated. ClinVar contains an entry for this variant (Variation ID: 1034444). This variant has not been reported in the literature in individuals affected with LRIT3-related conditions. This variant is present in population databases (no rsID available, gnomAD 0.01%). This sequence change replaces methionine, which is neutral and non-polar, with threonine, which is neutral and polar, at codon 46 of the LRIT3 protein (p.Met46Thr).

NM_198506.5(LRIT3):c.137T>C (p.Met46Thr)

Gene: LRIT3 (leucine rich repeat, Ig-like and transmembrane domains 3; plus strand). Cytogenetic location: 4q25.
Variant type: single nucleotide variant.
Coding change: c.137T>C on transcript NM_198506.5 (MANE Select); coding-DNA position 137, T replaced by C.
Protein change: p.Met46Thr; replaces methionine 46 with threonine.
Molecular consequence: missense variant.
Genome position (GRCh38, 1-based): chr4:109,851,524, T>C. VCF-style: chr4-109851524-T-C. GRCh37 (hg19) VCF-style: chr4-110772680-T-C.
Other names: short protein forms M46T.
Identifiers: ClinVar variation 1034444 (VCV001034444.5), dbSNP rs1218802221, ClinGen allele CA357870887.